The following is an entry in ClinVar:

ClinVar aggregate classification (germline): Uncertain significance (1 of 4 stars; one submission).

Submission:

GeneDx
Classification: Uncertain significance. Last evaluated: 2025-01-22. Review status: criteria provided, single submitter. Criteria: GeneDx Variant Classification Process June 2021. Collection method: clinical testing. Allele origin: germline. Affected: yes.
Comment: Not observed at significant frequency in large population cohorts (gnomAD); In silico analysis indicates that this missense variant does not alter protein structure/function; Has not been previously published as pathogenic or benign to our knowledge

NM_001128.6(AP1G1):c.1825C>G (p.Pro609Ala)

Gene: AP1G1 (adaptor related protein complex 1 subunit gamma 1; minus strand). Cytogenetic location: 16q22.2.
Variant type: single nucleotide variant.
Coding change: c.1825C>G on transcript NM_001128.6 (MANE Select); coding-DNA position 1825, C replaced by G.
Protein change: p.Pro609Ala; replaces proline 609 with alanine.
Molecular consequence: missense variant.
Genome position (GRCh38, 1-based): chr16:71,745,520, G>C on the plus strand (C>G on the coding strand, the complement: AP1G1 is on the minus strand). VCF-style: chr16-71745520-G-C. GRCh37 (hg19) VCF-style: chr16-71779423-G-C.
Other names: c.1834C>G, p.Pro612Ala (NM_001030007.2); short protein forms P609A, P612A.
Identifiers: ClinVar variation 4071715 (VCV004071715.1).